The following is an entry in ClinVar:

ClinVar aggregate classification (germline): Likely pathogenic (1 of 4 stars; one submission).

Conditions:
Dilated cardiomyopathy 1G (CMD1G). Identifiers: Orphanet 154, MedGen C1858763, MONDO:0011400, OMIM 604145.
Autosomal recessive limb-girdle muscular dystrophy type 2J (LGMDR10). Also called: Limb-girdle muscular dystrophy, type 2J; MUSCULAR DYSTROPHY, LIMB-GIRDLE, AUTOSOMAL RECESSIVE 10. Identifiers: Orphanet 140922, MedGen C1837342, MONDO:0012127, OMIM 608807.

Submission:

Labcorp Genetics (formerly Invitae), Labcorp
Classification: Likely pathogenic for Dilated cardiomyopathy 1G; Autosomal recessive limb-girdle muscular dystrophy type 2J. Last evaluated: 2025-05-15. Review status: criteria provided, single submitter. Criteria: Invitae Variant Classification Sherloc (09022015). Collection method: clinical testing. Allele origin: germline.
Comment: This sequence change affects an acceptor splice site in intron 275 of the TTN gene. While this is not anticipated to result in nonsense mediated decay, it is expected to create a truncated TTN protein. This variant is not present in population databases (gnomAD no frequency). This variant has not been reported in the literature in individuals affected with TTN-related conditions. Algorithms developed to predict the effect of sequence changes on RNA splicing suggest that this variant may disrupt the consensus splice site. This variant is located in the A band of TTN (PMID: 25589632). Truncating variants in this region are significantly overrepresented in patients affected with dilated cardiomyopathy (PMID: 25589632). Truncating variants in this region have also been reported in individuals affected with autosomal recessive centronuclear myopathy (PMID: 23975875). In summary, the currently available evidence indicates that the variant is pathogenic, but additional data are needed to prove that conclusively. Therefore, this variant has been classified as Likely Pathogenic.

Literature cited by the submitters: PubMed 25589632; PubMed 23975875.

NM_001267550.2(TTN):c.52706-2A>C

Genes: TTN-AS1 (TTN antisense RNA 1; plus strand), TTN (titin; minus strand), LOC126806425 (BRD4-independent group 4 enhancer GRCh37_chr2:179471933-179473132; plus strand). Cytogenetic location: 2q31.2.
Variant type: single nucleotide variant.
Coding change: c.52706-2A>C on transcript NM_001267550.2 (MANE Select); the canonical splice acceptor site of the intron before coding-DNA position 52706, A replaced by C.
Molecular consequence: splice acceptor variant.
Genome position (GRCh38, 1-based): chr2:178,608,083, T>G on the plus strand (A>C on the coding strand, the complement: TTN is on the minus strand). VCF-style: chr2-178608083-T-G. GRCh37 (hg19) VCF-style: chr2-179472810-T-G.
Other names: c.25511-2A>C (NM_003319.4); c.26087-2A>C (NM_133437.4); c.25886-2A>C (NM_133432.3); c.45002-2A>C (NM_133378.4); c.47783-2A>C (NM_001256850.1).
Identifiers: ClinVar variation 4784301 (VCV004784301.1).
Genomic context (GRCh38, chr2:178,608,083, plus strand): 5'-TAGTTCAATAGTTGTAGAGCTTGTGTCAGTGACTCTTGGGATAGGTGGCCCAGGAGGAGC[T>G]AGAATGAATGAAGATAGACAAATCAAACTCCCTGATGGTTTTAAAATGTACAATAGCTTG-3'